The following is an entry in ClinVar:

ClinVar aggregate classification (germline): Uncertain significance (1 of 4 stars; one submission).

gnomAD v4.1: 2 of 1,613,570 alleles (0.00012%); highest among the groups gnomAD compares: Admixed American, 0.0033%; no homozygotes.

Submission:

Ambry Genetics
Classification: Uncertain significance. Last evaluated: 2025-05-09. Review status: criteria provided, single submitter. Criteria: Ambry Variant Classification Scheme 2023. Collection method: clinical testing. Allele origin: germline.
Comment: The c.958-2A>G intronic variant results from an A to G substitution two nucleotides upstream from coding exon 9 in the RAD51B gene. This nucleotide position is highly conserved in available vertebrate species. In silico splice site analysis predicts that this alteration will weaken the native splice acceptor site. The evidence for this gene-disease relationship is limited; therefore, the clinical significance of this alteration is unclear.

NM_133510.4(RAD51B):c.958-2A>G

Gene: RAD51B (RAD51 paralog B; plus strand). Cytogenetic location: 14q24.1.
Variant type: single nucleotide variant.
Coding change: c.958-2A>G on transcript NM_133510.4 (MANE Select); the canonical splice acceptor site of the intron before coding-DNA position 958, A replaced by G.
Molecular consequence: splice acceptor variant.
Genome position (GRCh38, 1-based): chr14:68,468,170, A>G. VCF-style: chr14-68468170-A-G. GRCh37 (hg19) VCF-style: chr14-68934887-A-G.
Other names: c.958-2A>G (NM_001321818.2, NM_001321809.2, NM_001321821.2 and 6 more transcripts); c.601-2A>G (NM_001321817.2); c.844-2A>G (NM_001321815.1).
Identifiers: ClinVar variation 3942249 (VCV003942249.1).
Genomic context (GRCh38, chr14:68,468,170, plus strand): 5'-AGTGAATAGAGGCCCATCCCTGATCCTTTGACTAACCCTAGAAAAATGTGCTTTATGTGC[A>G]GATTCTTATTGCCAAGTCCCCTCTGGCTCCCTTCACCTCATTTGTCTACACCATCAAGGA-3'